The following is an entry in ClinVar:

NM_152564.5(VPS13B):c.1907T>G (p.Ile636Ser)

Gene: VPS13B (vacuolar protein sorting 13 homolog B; plus strand). Cytogenetic location: 8q22.2.
Variant type: single nucleotide variant.
Coding change: c.1907T>G on transcript NM_152564.5 (MANE Select); coding-DNA position 1907, T replaced by G.
Protein change: p.Ile636Ser; replaces isoleucine 636 with serine.
Molecular consequence: missense variant.
Genome position (GRCh38, 1-based): chr8:99,147,904, T>G. VCF-style: chr8-99147904-T-G. GRCh37 (hg19) VCF-style: chr8-100160132-T-G.
Other names: c.1907T>G (NM_152564.4); c.1907T>G, p.Ile636Ser (NM_015243.3, NM_017890.5); short protein forms I636S.
Identifiers: ClinVar variation 1006743 (VCV001006743.12), dbSNP rs1209495278, ClinGen allele CA371864366.
Genomic context (GRCh38, chr8:99,147,904, plus strand): 5'-TTAAGGATGAAAATGAAACAATACTGAATCCTGAAGAGGTGGCTCTTCTGGAGGAATATA[T>G]TCCTACTCGACATACAAGTGTTACTCTCCTCAAATGTACCTGCACAATTTCCATGGCTGA-3'
Protein context (NP_689777.3, residues 626-646): PEEVALLEEY[Ile636Ser]PTRHTSVTLL

ClinVar aggregate classification (germline): Uncertain significance. Review status: criteria provided, multiple submitters, no conflicts (2 of 4 stars). 3 submissions from 3 submitters: Uncertain significance (2). 1 of the submissions does not count toward it. Last evaluated 2026-02-04.

Conditions:
VPS13B-related disorder. Also called: VPS13B-related condition.
Cohen syndrome (COH1). Also called: Cutis verticis gyrata, retinitis pigmentosa, and sensorineural deafness; PEPPER SYNDROME. Identifiers: Orphanet 193, MedGen C0265223, MONDO:0008999, OMIM 216550.

Allele frequency attached by ClinVar (database versions not stated): gnomAD 0.00001.
gnomAD v4.1: 1 of 1,613,098 alleles (0.000062%); highest among the groups gnomAD compares: African/African-American, 0.0013%; no homozygotes.

Submissions (3):

PreventionGenetics, part of Exact Sciences
Classification: Uncertain significance for VPS13B-related condition. Last evaluated: 2026-02-04. Review status: criteria provided, single submitter. Criteria: ACMG Guidelines, 2015. Collection method: clinical testing. Allele origin: germline.
Comment: The VPS13B c.1907T>G variant is predicted to result in the amino acid substitution p.Ile636Ser. To our knowledge, this variant has not been reported in the literature. This variant is reported in 0.011% of alleles in individuals of African descent in gnomAD. At this time, the clinical significance of this variant is uncertain due to the absence of conclusive functional and genetic evidence.

Labcorp Genetics (formerly Invitae), Labcorp
Classification: Uncertain significance for Cohen syndrome. Last evaluated: 2022-02-03. Review status: criteria provided, single submitter. Criteria: Invitae Variant Classification Sherloc (09022015). Collection method: clinical testing. Allele origin: germline.
Comment: ClinVar contains an entry for this variant (Variation ID: 1006743). This variant has not been reported in the literature in individuals affected with VPS13B-related conditions. This variant is present in population databases (no rsID available, gnomAD 0.01%). This sequence change replaces isoleucine, which is neutral and non-polar, with serine, which is neutral and polar, at codon 636 of the VPS13B protein (p.Ile636Ser). Algorithms developed to predict the effect of missense changes on protein structure and function are either unavailable or do not agree on the potential impact of this missense change (SIFT: "Not Available"; PolyPhen-2: "Possibly Damaging"; Align-GVGD: "Not Available"). In summary, the available evidence is currently insufficient to determine the role of this variant in disease. Therefore, it has been classified as a Variant of Uncertain Significance.

Natera, Inc.
Classification: Uncertain significance for Cohen syndrome. Last evaluated: 2020-12-18. Review status: no assertion criteria provided. Collection method: clinical testing. Allele origin: germline. Not counted in ClinVar's aggregate classification.